The following is an entry in ClinVar:

ClinVar aggregate classification (germline): Conflicting classifications of pathogenicity. Review status: criteria provided, conflicting classifications (1 of 4 stars). 14 submissions from 14 submitters: Uncertain significance (3); Likely benign (8). 3 of the submissions do not count toward it. Last evaluated 2026-03-04.

Conditions:
BRCA1-related disorder. Also called: BRCA1-related condition.
Hereditary cancer-predisposing syndrome. Also called: Tumor predisposition; Hereditary neoplastic syndrome; Hereditary Cancer Syndrome; Neoplastic Syndromes, Hereditary. Identifiers: Orphanet 140162, MedGen C0027672, MeSH D009386, MONDO:0015356.
Hereditary breast ovarian cancer syndrome. Also called: Hereditary breast and ovarian cancer; Hereditary breast and/or ovarian cancer syndrome; BRCA1- and BRCA2-Associated Hereditary Breast and Ovarian Cancer; Hereditary breast and ovarian cancer syndrome (HBOC); Hereditary breast and ovarian cancer syndrome; Breast and ovarian cancer. Identifiers: Orphanet 145, MedGen C0677776, MeSH D061325, MONDO:0003582. Disease mechanism: loss of function.
Breast-ovarian cancer, familial, susceptibility to, 1 (BROVCA1). Also called: BRCA1 Hereditary Breast and Ovarian Cancer; OVARIAN CANCER, SUSCEPTIBILITY TO. Identifiers: Orphanet 145, MedGen C2676676, MONDO:0011450, OMIM 604370. Disease mechanism: loss of function.

Allele frequency attached by ClinVar (database versions not stated): gnomAD exomes 0.00002 and 0.00008; TOPMed 0.00003; ExAC 0.00004; gnomAD 0.00005 and 0.00006.

Submissions (14):

PreventionGenetics, part of Exact Sciences
Classification: Likely benign for BRCA1-related condition. Last evaluated: 2026-03-04. Review status: criteria provided, single submitter. Criteria: ACMG Guidelines, 2015. Collection method: clinical testing. Allele origin: germline.
Comment: This variant is classified as likely benign based on ACMG/AMP sequence variant interpretation guidelines (Richards et al. 2015 PMID: 25741868, with internal and published modifications).

Labcorp Genetics (formerly Invitae), Labcorp
Classification: Likely benign for Hereditary breast ovarian cancer syndrome. Last evaluated: 2026-01-05. Review status: criteria provided, single submitter. Criteria: Invitae Variant Classification Sherloc (09022015). Collection method: clinical testing. Allele origin: germline.

Women's Health and Genetics/Laboratory Corporation of America, LabCorp
Classification: Likely benign. Last evaluated: 2025-12-29. Review status: criteria provided, single submitter. Criteria: LabCorp Variant Classification Summary - May 2015. Collection method: clinical testing. Allele origin: germline.
Comment: Variant summary: BRCA1 c.1243G>A (p.Val415Ile) results in a conservative amino acid change located in the BRCA1, serine-rich domain (IPR025994) of the encoded protein sequence. Algorithms developed to predict the effect of missense changes on protein structure and function all suggest that this variant is likely to be tolerated. The variant allele was found at a frequency of 0.0001 in 298260 control chromosomes (gnomAD). c.1243G>A has been observed as a VUS in settings of multigene panel testing of individuals affected with breast and/or ovarian cancer (e.g. Muendien_2015, Chan_2018, Momozawa_2018, Wang_2019). These reports do not provide unequivocal conclusions about association of the variant with Hereditary Breast And Ovarian Cancer Syndrome. To our knowledge, no experimental evidence demonstrating an impact on protein function has been reported. The following publications have been ascertained in the context of this evaluation (PMID: 30093976, 33087888, 25348012, 30287823, 25971625, 31131967, 30982232). ClinVar contains an entry for this variant (Variation ID: 142855). Based on the evidence outlined above, the variant was classified as likely benign.

University of Washington Department of Laboratory Medicine, University of Washington
Classification: Likely benign for Hereditary cancer-predisposing syndrome. Last evaluated: 2023-03-23. Review status: criteria provided, single submitter. Criteria: Dines et al. (Genet Med. 2020). Collection method: curation. Allele origin: germline.
Comment: Missense variant in a coldspot region where missense variants are very unlikely to be pathogenic (PMID:31911673).

BRCA1 coldspot (exon 11 using historical exon numbering). Reclassification based on statistical prior probability

Quest Diagnostics Nichols Institute San Juan Capistrano
Classification: Likely benign. Last evaluated: 2022-09-16. Review status: criteria provided, single submitter. Criteria: Quest Diagnostics criteria. Collection method: clinical testing. Allele origin: unknown.

CeGaT Center for Human Genetics Tuebingen
Classification: Likely benign. Last evaluated: 2022-08-01. Review status: criteria provided, single submitter. Criteria: CeGaT Center For Human Genetics Tuebingen Variant Classification Criteria Version 2. Collection method: clinical testing. Allele origin: germline. Affected: yes. Observed: 1 variant allele.
Comment: BRCA1: BP1

St. Jude Molecular Pathology, St. Jude Children's Research Hospital
Classification: Uncertain significance for Hereditary breast ovarian cancer syndrome. Last evaluated: 2021-08-04. Review status: criteria provided, single submitter. Criteria: St. Jude Assertion Criteria 2020. Collection method: clinical testing. Allele origin: germline.

Sema4
Classification: Uncertain significance for Hereditary cancer-predisposing syndrome. Last evaluated: 2021-05-01. Review status: criteria provided, single submitter. Criteria: Sema4 Curation Guidelines. Collection method: curation. Allele origin: germline.
Comment: The BRCA1 c.1243G>A (p.V415I) variant has been reported in heterozygosity in at least three individuals with breast cancer and at least one individual with ovarian cancer (PMID: 25971625, 30093976, 33471991). It was observed in 8/25110 chromosomes in the Finnish subpopulation in the large and broad cohorts of the Genome Aggregation Database (PMID: 32461654). The variant has been reported in ClinVar (Variation ID: 142855). Computational analyses and evolutionary conservation data do not provide strong support for or against an impact on the protein, however, these predictions have not been confirmed by published functional studies. The prevalence of the variant in affected individuals is not increased compared to the prevalence in controls (PubMed 33471991). There is no indication that this variant causes disease, but the evidence is insufficient currently to prove that conclusively. Thus, the clinical significance of this variant is currently uncertain.

Ambry Genetics
Classification: Likely benign for Hereditary cancer-predisposing syndrome. Last evaluated: 2020-11-03. Review status: criteria provided, single submitter. Criteria: Ambry Variant Classification Scheme 2023. Collection method: clinical testing. Allele origin: germline.

GeneDx
Classification: Uncertain significance. Last evaluated: 2017-12-07. Review status: criteria provided, single submitter. Criteria: GeneDx Variant Classification (06012015). Collection method: clinical testing. Allele origin: germline. Affected: yes.
Comment: This variant is denoted BRCA1 c.1243G>A at the cDNA level, p.Val415Ile (V415I) at the protein level, and results in the change of a Valine to an Isoleucine (GTT>ATT). Using alternate nomenclature, this variant would be defined as BRCA1 1362G>A. This variant has been observed in at least one individual with triple negative breast cancer (Muendlein 2015). BRCA1 Val415Ile was observed at an allele frequency of 0.03% (9/25,778) in individuals of European (Non-Finnish) ancestry in large population cohorts (Lek 2016). Since Valine and Isoleucine share similar properties, this is considered a conservative amino acid substitution. BRCA1 Val415Ile is located in a region known to interact with multiple proteins (Paul 2014). In-silico analyses, including protein predictors and evolutionary conservation, support that this variant does not alter protein structure or function. Based on currently available evidence, it is unclear whether BRCA1 Val415Ile is a pathogenic or benign variant. We consider it to be a variant of uncertain significance.

Color Diagnostics, LLC DBA Color Health
Classification: Likely benign for Hereditary cancer-predisposing syndrome. Last evaluated: 2017-08-21. Review status: criteria provided, single submitter. Criteria: ACMG Guidelines, 2015. Collection method: clinical testing. Allele origin: germline.

Department of Medical and Surgical Sciences, University of Bologna
Classification: Benign for Breast-ovarian cancer, familial, susceptibility to, 1. Last evaluated: 2023-09-01. Review status: no assertion criteria provided. Collection method: clinical testing. Allele origin: germline. Affected: yes. Not counted in ClinVar's aggregate classification.
Comment: BS1(Strong)+BP1(Strong)+BP5(Strong) according to ACMG/AMP classification guidelines specified for BRCA1 & BRCA2 (Classification Criteria V1.0.0 2023-09-08) (PMID: 38160042)

BRCAlab, Lund University
Classification: Likely benign for Breast-ovarian cancer, familial, susceptibility to, 1. Last evaluated: 2020-03-02. Review status: no assertion criteria provided. Collection method: clinical testing. Allele origin: germline. Affected: yes. Not counted in ClinVar's aggregate classification.

Counsyl
Classification: Uncertain significance for Breast-ovarian cancer, familial, susceptibility to, 1. Last evaluated: 2016-09-21. Review status: no assertion criteria provided. Collection method: clinical testing. Allele origin: unknown. Not counted in ClinVar's aggregate classification.

Literature cited by the submitters: PubMed 25348012 (cited by 3 submitters); PubMed 25971625 (cited by 5 submitters); PubMed 30093976 (cited by 4 submitters); PubMed 30287823 (cited by 3 submitters); PubMed 30982232 (cited by Women's Health and Genetics/Laboratory Corporation of America, LabCorp and Quest Diagnostics Nichols Institute San Juan Capistrano); PubMed 31131967 (cited by 3 submitters); PubMed 33087888 (cited by Women's Health and Genetics/Laboratory Corporation of America, LabCorp and Quest Diagnostics Nichols Institute San Juan Capistrano); PubMed 33471991 (cited by Quest Diagnostics Nichols Institute San Juan Capistrano and Sema4); PubMed 32467295 (cited by Quest Diagnostics Nichols Institute San Juan Capistrano); PubMed 26295337 (cited by Quest Diagnostics Nichols Institute San Juan Capistrano).

NM_007294.4(BRCA1):c.1243G>A (p.Val415Ile)

Gene: BRCA1 (BRCA1 DNA repair associated; minus strand). Cytogenetic location: 17q21.31.
Variant type: single nucleotide variant.
Coding change: c.1243G>A on transcript NM_007294.4 (MANE Select); coding-DNA position 1243, G replaced by A.
Protein change: p.Val415Ile; replaces valine 415 with isoleucine.
Molecular consequence: missense variant. On other transcripts: intron variant (137).
Genome position (GRCh38, 1-based): chr17:43,094,288, C>T on the plus strand (G>A on the coding strand, the complement: BRCA1 is on the minus strand). VCF-style: chr17-43094288-C-T. GRCh37 (hg19) VCF-style: chr17-41246305-C-T.
Other names: c.1243G>A, p.Val415Ile (NM_001407620.1, NM_001407621.1, NM_001407622.1 and 30 more transcripts); c.1240G>A, p.Val414Ile (NM_001407627.1, NM_001407628.1, NM_001407629.1 and 22 more transcripts); c.1234G>A, p.Val412Ile (NM_001407646.1, NM_001407647.1); c.1120G>A, p.Val374Ile (NM_001407648.1, NM_001407664.1, NM_001407665.1 and 19 more transcripts); c.1117G>A, p.Val373Ile (NM_001407649.1, NM_001407670.1, NM_001407685.1 and 11 more transcripts); c.1162G>A, p.Val388Ile (NM_001407661.1, NM_001407662.1, NM_001407659.1 and 1 more transcripts); c.1165G>A, p.Val389Ile (NM_001407663.1, NM_001407653.1, NM_001407654.1 and 4 more transcripts); c.1102G>A, p.Val368Ile (NM_001407725.1, NM_001407726.1, NM_001407727.1 and 29 more transcripts); and 40 more; short protein forms V415I, V368I, V287I, V288I, V374I, V304I, V326I, V345I.
Identifiers: ClinVar variation 142855 (VCV000142855.62), dbSNP rs587782770, ClinGen allele CA000819.
Genomic context (GRCh38, chr17:43,094,288, plus strand): 5'-CACTGGCCAGTAAGTCTATTTTCTCTGAAGAACCAGAATATTCATCTACCTCATTTAGAA[C>T]GTCCAATACATCAGCTACTTTGGCATTTGATTCAGACTCCCCATCATGTGAGTCATCAGA-3'
Protein context (NP_009225.1, residues 405-425): SNAKVADVLD[Val415Ile]LNEVDEYSGS